The following is an entry in ClinVar:

NM_032447.5(FBN3):c.6858C>G (p.Ser2286Arg)

Gene: FBN3 (fibrillin 3; minus strand). Cytogenetic location: 19p13.2.
Variant type: single nucleotide variant.
Coding change: c.6858C>G on transcript NM_032447.5 (MANE Select); coding-DNA position 6858, C replaced by G.
Protein change: p.Ser2286Arg; replaces serine 2286 with arginine.
Molecular consequence: missense variant.
Genome position (GRCh38, 1-based): chr19:8,086,222, G>C on the plus strand (C>G on the coding strand, the complement: FBN3 is on the minus strand). VCF-style: chr19-8086222-G-C. GRCh37 (hg19) VCF-style: chr19-8151106-G-C.
Other names: c.6858C>G, p.Ser2286Arg (NM_001321431.2); short protein forms S2286R.
Identifiers: ClinVar variation 4770704 (VCV004770704.1).

ClinVar aggregate classification (germline): Uncertain significance (1 of 4 stars; one submission).

gnomAD v4.1: 2 of 1,609,856 alleles (0.00012%); highest among the groups gnomAD compares: African/African-American, 0.0027%; no homozygotes.

Submission:

Labcorp Genetics (formerly Invitae), Labcorp
Classification: Uncertain significance. Last evaluated: 2025-08-12. Review status: criteria provided, single submitter. Criteria: Invitae Variant Classification Sherloc (09022015). Collection method: clinical testing. Allele origin: germline.
Comment: This sequence change replaces serine, which is neutral and polar, with arginine, which is basic and polar, at codon 2286 of the FBN3 protein (p.Ser2286Arg). This variant is not present in population databases (gnomAD no frequency). This variant has not been reported in the literature in individuals affected with FBN3-related conditions. Invitae Evidence Modeling of protein sequence and biophysical properties (such as structural, functional, and spatial information, amino acid conservation, physicochemical variation, residue mobility, and thermodynamic stability) indicates that this missense variant is not expected to disrupt FBN3 protein function with a negative predictive value of 80%. In summary, the available evidence is currently insufficient to determine the role of this variant in disease. Therefore, it has been classified as a Variant of Uncertain Significance.